The following is an entry in ClinVar:

NM_000271.5(NPC1):c.2426G>C (p.Ser809Thr)

Gene: NPC1 (NPC intracellular cholesterol transporter 1; minus strand). Cytogenetic location: 18q11.2.
Variant type: single nucleotide variant.
Coding change: c.2426G>C on transcript NM_000271.5 (MANE Select); coding-DNA position 2426, G replaced by C.
Protein change: p.Ser809Thr; replaces serine 809 with threonine.
Molecular consequence: missense variant.
Genome position (GRCh38, 1-based): chr18:23,541,156, C>G on the plus strand (G>C on the coding strand, the complement: NPC1 is on the minus strand). VCF-style: chr18-23541156-C-G. GRCh37 (hg19) VCF-style: chr18-21121120-C-G.
Other names: short protein forms S809T.
Identifiers: ClinVar variation 1348346 (VCV001348346.8), dbSNP rs769133876, ClinGen allele CA401793450.
Genomic context (GRCh38, chr18:23,541,156, plus strand): 5'-AGAAGTGGAGAATAGGAGTTTTTGAAGAAGCGAAACAAACAGCTCTCTGAGGCCTGGACG[C>G]TTGTTCCATCTTCAGCACCTCTGACACAGCAAAAGATGTCTAGCCGATTTTTCTGAGGGG-3'
Protein context (NP_000262.2, residues 799-819): CCVRGAEDGT[Ser809Thr]VQASESCLFR

ClinVar aggregate classification (germline): Uncertain significance (1 of 4 stars; one submission).

Conditions:
Niemann-Pick disease, type C1. Also called: NEUROVISCERAL STORAGE DISEASE WITH VERTICAL SUPRANUCLEAR OPHTHALMOPLEGIA; NIEMANN-PICK DISEASE WITH CHOLESTEROL ESTERIFICATION BLOCK; NIEMANN-PICK DISEASE WITHOUT SPHINGOMYELINASE DEFICIENCY; NIEMANN-PICK DISEASE, CHRONIC NEURONOPATHIC FORM; NIEMANN-PICK DISEASE, VARIANT TYPE C1. Identifiers: Orphanet 646, MedGen C3179455, MONDO:0009757, OMIM 257220.

Submission:

Labcorp Genetics (formerly Invitae), Labcorp
Classification: Uncertain significance for Niemann-Pick disease, type C1. Last evaluated: 2021-04-24. Review status: criteria provided, single submitter. Criteria: Invitae Variant Classification Sherloc (09022015). Collection method: clinical testing. Allele origin: germline.
Comment: This sequence change replaces serine with threonine at codon 809 of the NPC1 protein (p.Ser809Thr). The serine residue is weakly conserved and there is a small physicochemical difference between serine and threonine. This variant is not present in population databases (ExAC no frequency). In summary, the available evidence is currently insufficient to determine the role of this variant in disease. Therefore, it has been classified as a Variant of Uncertain Significance. Advanced modeling of protein sequence and biophysical properties (such as structural, functional, and spatial information, amino acid conservation, physicochemical variation, residue mobility, and thermodynamic stability) performed at Invitae indicates that this missense variant is not expected to disrupt NPC1 protein function. This variant has not been reported in the literature in individuals with NPC1-related conditions.